The following is an entry in ClinVar:

ClinVar aggregate classification (germline): Benign. Review status: criteria provided, multiple submitters, no conflicts (2 of 4 stars). 2 submissions from 2 submitters: Benign (2). Last evaluated 2018-08-09.

Conditions:
Pituitary hormone deficiency, combined, 2. Also called: PROP1-Related Combined Pituitary Hormone Deficiency; ATELIOTIC DWARFISM WITH HYPOGONADISM; HANHART DWARFISM; PITUITARY DWARFISM III. Identifiers: MedGen C0878683, MONDO:0009878, OMIM 262600.

Allele frequency attached by ClinVar (database versions not stated): gnomAD 0.30465 and 0.30856; TOPMed 0.32025; gnomAD exomes 0.32758; 1000 Genomes Project 0.33027; 1000 Genomes Project 30x 0.33089.
gnomAD v4.1: 193,466 of 599,268 alleles (32%); highest among the groups gnomAD compares: East Asian, 46%; 32,182 homozygotes.

Submissions (2):

GeneDx
Classification: Benign. Last evaluated: 2018-08-09. Review status: criteria provided, single submitter. Criteria: GeneDx Variant Classification Process June 2021. Collection method: clinical testing. Allele origin: germline. Affected: yes.

Illumina Laboratory Services, Illumina
Classification: Benign for Pituitary hormone deficiency, combined, 2. Last evaluated: 2018-01-12. Review status: criteria provided, single submitter. Criteria: ICSL Variant Classification Criteria 13 December 2019. Collection method: clinical testing. Allele origin: germline.
Comment: This variant was observed in the ICSL laboratory as part of a predisposition screen in an ostensibly healthy population. It had not been previously curated by ICSL or reported in the Human Gene Mutation Database (HGMD: prior to June 1st, 2018), and was therefore a candidate for classification through an automated scoring system. Utilizing variant allele frequency, disease prevalence and penetrance estimates, and inheritance mode, an automated score was calculated to assess if this variant is too frequent to cause the disease. Based on the score and internal cut-off values, a variant classified as benign is not then subjected to further curation. The score for this variant resulted in a classification of benign for this disease.

NM_006261.5(PROP1):c.-210A>C

Gene: PROP1 (PROP paired-like homeobox 1; minus strand). Cytogenetic location: 5q35.3.
Variant type: single nucleotide variant.
Coding change: c.-210A>C on transcript NM_006261.5 (MANE Select); 210 bases upstream of the start codon, A replaced by C.
Molecular consequence: 5 prime UTR variant.
Genome position (GRCh38, 1-based): chr5:177,996,143, T>G on the plus strand (A>C on the coding strand, the complement: PROP1 is on the minus strand). VCF-style: chr5-177996143-T-G. GRCh37 (hg19) VCF-style: chr5-177423144-T-G.
Identifiers: ClinVar variation 353019 (VCV000353019.8), dbSNP rs13187293, ClinGen allele CA10624206.